The following is an entry in ClinVar:

ClinVar aggregate classification (germline): Uncertain significance. Review status: criteria provided, multiple submitters, no conflicts (2 of 4 stars). 5 submissions from 5 submitters: Uncertain significance (4). 1 of the submissions does not count toward it. Last evaluated 2024-05-10.

Conditions:
PMM2-congenital disorder of glycosylation. Also called: PMM2-CDG; Congenital disorder of glycosylation, type Ia; JAEKEN SYNDROME; PHOSPHOMANNOMUTASE 2 DEFICIENCY; CARBOHYDRATE-DEFICIENT GLYCOPROTEIN SYNDROME, TYPE Ia; CDG Ia. Identifiers: Orphanet 79318, MedGen C0349653, MONDO:0008907, OMIM 212065.

Allele frequency attached by ClinVar (database versions not stated): gnomAD exomes 0.00003; gnomAD 0.00005; ExAC 0.00006; TOPMed 0.00006; ESP Exome Variant Server 0.00008.
gnomAD v4.1: 37 of 1,571,038 alleles (0.0024%); highest among the groups gnomAD compares: African/African-American, 0.0081%; no homozygotes.

Submissions (6):

Fulgent Genetics
Classification: Uncertain significance for PMM2-congenital disorder of glycosylation. Last evaluated: 2024-05-10. Review status: criteria provided, single submitter. Criteria: ACMG Guidelines, 2015. Collection method: clinical testing. Allele origin: germline.

Blueprint Genetics
Classification: Uncertain significance. Last evaluated: 2024-03-19. Review status: criteria provided, single submitter. Criteria: ACMG Guidelines, 2015. Collection method: clinical testing. Allele origin: germline.

Labcorp Genetics (formerly Invitae), Labcorp
Classification: Uncertain significance for PMM2-congenital disorder of glycosylation. Last evaluated: 2021-11-22. Review status: criteria provided, single submitter. Criteria: Invitae Variant Classification Sherloc (09022015). Collection method: clinical testing. Allele origin: germline.
Comment: This sequence change falls in intron 6 of the PMM2 gene. It does not directly change the encoded amino acid sequence of the PMM2 protein. This variant is present in population databases (rs373584132, gnomAD 0.008%). This variant has not been reported in the literature in individuals affected with PMM2-related conditions. ClinVar contains an entry for this variant (Variation ID: 966954). Algorithms developed to predict the effect of sequence changes on RNA splicing suggest that this variant may disrupt the consensus splice site. In summary, the available evidence is currently insufficient to determine the role of this variant in disease. Therefore, it has been classified as a Variant of Uncertain Significance.

Genetic Services Laboratory, University of Chicago
Classification: Uncertain significance. Last evaluated: 2020-07-21. Review status: criteria provided, single submitter. Criteria: ACMG Guidelines, 2015. Collection method: clinical testing. Allele origin: germline. Affected: no.
Comment: DNA sequence analysis of the PMM2 gene demonstrated a sequence change in intron 6, c.524-5G>A. This sequence change does not appear to have been previously described in patients with PMM2-related disorders and has been described in the gnomAD database with a low overall population frequency of 0.003% (dbSNP rs373584132). In silico splice site prediction programs suggest that this sequence change may affect proper splicing of intron 6, however functional studies have not been performed to confirm this. The functional significance of this sequence change is not known at present and its contribution to this patient's disease phenotype cannot definitively be determined.

Natera, Inc.
Classification: Uncertain significance for Congenital disorder of glycosylation type 1a. Last evaluated: 2020-03-24. Review status: no assertion criteria provided. Collection method: clinical testing. Allele origin: germline. Not counted in ClinVar's aggregate classification.

Dr. Peter K. Rogan Lab, Western University
No classification provided (evidence only). Condition: Lung cancer. Review status: no classification provided. Collection method: in vitro. Allele origin: not applicable. Functional consequence: retained intron. Not counted in ClinVar's aggregate classification.

NM_000303.3(PMM2):c.524-5G>A

Gene: PMM2 (phosphomannomutase 2; plus strand). Cytogenetic location: 16p13.2.
Variant type: single nucleotide variant.
Coding change: c.524-5G>A on transcript NM_000303.3 (MANE Select); 5 bases into the intron before coding-DNA position 524, G replaced by A.
Molecular consequence: intron variant.
Genome position (GRCh38, 1-based): chr16:8,812,986, G>A. VCF-style: chr16-8812986-G-A. GRCh37 (hg19) VCF-style: chr16-8906843-G-A.
Identifiers: ClinVar variation 966954 (VCV000966954.14), dbSNP rs373584132, ClinGen allele CA7894122.